The following is an entry in ClinVar:

NM_001844.5(COL2A1):c.1648C>T (p.Arg550Cys)

Gene: COL2A1 (collagen type II alpha 1 chain; minus strand). Cytogenetic location: 12q13.11.
Variant type: single nucleotide variant.
Coding change: c.1648C>T on transcript NM_001844.5 (MANE Select); coding-DNA position 1648, C replaced by T.
Protein change: p.Arg550Cys; replaces arginine 550 with cysteine.
Molecular consequence: missense variant.
Genome position (GRCh38, 1-based): chr12:47,985,760, G>A on the plus strand (C>T on the coding strand, the complement: COL2A1 is on the minus strand). VCF-style: chr12-47985760-G-A. GRCh37 (hg19) VCF-style: chr12-48379543-G-A.
Other names: c.1441C>T, p.Arg481Cys (NM_033150.3); short protein forms R550C, R481C.
Identifiers: ClinVar variation 546132 (VCV000546132.3), dbSNP rs1555167091, ClinGen allele CA384551500.
Genomic context (GRCh38, chr12:47,985,760, plus strand): 5'-CAAGGGCAACAGCAGCTCTGCTACTTACCCGGGCTCCAGGAAGGCCAGGTTCTCCAGGAC[G>A]GCCAGGGTCACCGTTGGCTCCCTTGGGGCCAGCAAGACCACTGGGCCCTCGCTCTCCAGG-3'
Protein context (NP_001835.3, residues 540-560): GPKGANGDPG[Arg550Cys]PGEPGLPGAR

ClinVar aggregate classification (germline): Uncertain significance. Review status: criteria provided, multiple submitters, no conflicts (2 of 4 stars). 2 submissions from 2 submitters: Uncertain significance (2). Last evaluated 2023-05-15.

Conditions:
COL2A1-related disorder. Also called: COL2A1-related condition; COL2A1-related disorders.

Allele frequency attached by ClinVar (database versions not stated): gnomAD exomes below 0.00001.

Submissions (2):

PreventionGenetics, part of Exact Sciences
Classification: Uncertain significance for COL2A1-related condition. Last evaluated: 2023-05-15. Review status: criteria provided, single submitter. Criteria: ACMG Guidelines, 2015. Collection method: clinical testing. Allele origin: germline.
Comment: The COL2A1 c.1648C>T variant is predicted to result in the amino acid substitution p.Arg550Cys. This variant has been reported in an individual with early onset osteoarthritis (Table 1, Barat-Houari et al. 2016. PubMed ID: 26626311; Table S4, Ruault et al. 2020. PubMed ID: 32510848). This variant has not been reported in a large population database, indicating this variant is rare. Although we suspect that this variant may be pathogenic, at this time, the clinical significance of this variant is uncertain due to the absence of conclusive functional and genetic evidence.

GeneDx
Classification: Uncertain significance. Last evaluated: 2018-04-11. Review status: criteria provided, single submitter. Criteria: GeneDx Variant Classification (06012015). Collection method: clinical testing. Allele origin: germline. Affected: yes.
Comment: The R550C variant in the COL2A1 gene has been reported in association with early onset osteoarthritis in a single proband (Barat-Houari et al., 2016). The R550C variant is not observed in large population cohorts (Lek et al., 2016). The R550C variant is a non-conservative amino acid substitution, which is likely to impact secondary protein structure as these residues differ in polarity, charge, size and/or other properties. In-silico analyses, including protein predictors and evolutionary conservation, support a deleterious effect. We interpret R550C as a variant of uncertain significance.